The following is an entry in ClinVar:

ClinVar aggregate classification (germline): Benign/Likely benign. Review status: criteria provided, multiple submitters, no conflicts (2 of 4 stars). 2 submissions from 2 submitters: Benign (1); Likely benign (1). Last evaluated 2026-06-01.

Allele frequency attached by ClinVar (database versions not stated): TOPMed 0.00002.
gnomAD v4.1: 5 of 1,613,858 alleles (0.00031%); highest among the groups gnomAD compares: African/African-American, 0.0027%; no homozygotes.

Submissions (2):

CeGaT Center for Human Genetics Tuebingen
Classification: Likely benign. Last evaluated: 2026-06-01. Review status: criteria provided, single submitter. Criteria: CeGaT Center For Human Genetics Tuebingen Variant Classification Criteria Version 2. Collection method: clinical testing. Allele origin: germline. Affected: yes. Observed: 1 variant allele.
Comment: RAI1: BP4, BS2

Labcorp Genetics (formerly Invitae), Labcorp
Classification: Benign. Last evaluated: 2025-05-10. Review status: criteria provided, single submitter. Criteria: Invitae Variant Classification Sherloc (09022015). Collection method: clinical testing. Allele origin: germline.

NM_030665.4(RAI1):c.4982G>A (p.Arg1661Gln)

Gene: RAI1 (retinoic acid induced 1; plus strand). Cytogenetic location: 17p11.2.
Variant type: single nucleotide variant.
Coding change: c.4982G>A on transcript NM_030665.4 (MANE Select); coding-DNA position 4982, G replaced by A.
Protein change: p.Arg1661Gln; replaces arginine 1661 with glutamine.
Molecular consequence: missense variant.
Genome position (GRCh38, 1-based): chr17:17,797,930, G>A. VCF-style: chr17-17797930-G-A. GRCh37 (hg19) VCF-style: chr17-17701244-G-A.
Other names: short protein forms R1661Q.
Identifiers: ClinVar variation 2190615 (VCV002190615.6), dbSNP rs1428571884, ClinGen allele CA398558078.
Genomic context (GRCh38, chr17:17,797,930, plus strand): 5'-CCTTGGATGCAGCCGGGGCCTCCCTGGCCACACTCCCTGGAGGCTCCATCCTGCAGCCGC[G>A]GCCCTCCTTGCCCCTCTCCTCCACGATGCACTTGGGGCCTGTGGTTTCCAAGGCCCTGAG-3'
Protein context (NP_109590.3, residues 1651-1671): TLPGGSILQP[Arg1661Gln]PSLPLSSTMH